The following is an entry in ClinVar:

ClinVar aggregate classification (germline): Likely pathogenic (1 of 4 stars; one submission).

Conditions:
Duchenne muscular dystrophy (DMD). Also called: MUSCULAR DYSTROPHY, PSEUDOHYPERTROPHIC PROGRESSIVE, DUCHENNE TYPE; Duchenne Muscular Dystrophy (DMD). Identifiers: Orphanet 98896, MedGen C0013264, MONDO:0010679, OMIM 310200.

Submission:

Laboratory of Medical Genetics, National & Kapodistrian University of Athens
Classification: Likely pathogenic for Duchenne muscular dystrophy. Last evaluated: 2022-12-16. Review status: criteria provided, single submitter. Criteria: ACMG Guidelines, 2015. Collection method: clinical testing. Allele origin: germline. Affected: yes.
Comment: PVS1, PM2

NM_004006.3(DMD):c.6057del (p.Asn2019fs)

Gene: DMD (dystrophin; minus strand). Cytogenetic location: Xp21.1.
Variant type: Deletion.
Coding change: c.6057del on transcript NM_004006.3 (MANE Select); coding-DNA position 6057, one base deleted (T; older notation c.6057delT).
Protein change: p.Asn2019fs; shifts the reading frame from asparagine 2019.
Molecular consequence: frameshift variant.
Genome position (GRCh38, 1-based): chrX:32,310,142, A deleted on the plus strand (T on the coding strand, the reverse complement: DMD is on the minus strand). VCF-style (leftmost placement, unchanged base first): chrX-32310141-CA-C. GRCh37 (hg19) VCF-style: chrX-32328258-CA-C.
Other names: c.6033del, p.Asn2011fs (NM_000109.4); c.6045del, p.Asn2015fs (NM_004009.3); c.5688del, p.Asn1896fs (NM_004010.3); c.2034del, p.Asn678fs (NM_004011.4); c.2025del, p.Asn675fs (NM_004012.4); short protein forms N1896fs, N2011fs, N2015fs, N2019fs, N675fs, N678fs.
Identifiers: ClinVar variation 1806422 (VCV001806422.1), dbSNP rs2520267733, ClinGen allele CA2580100623.